The following is an entry in ClinVar:

NM_000081.4(LYST):c.8898T>C (p.Tyr2966=)

Gene: LYST (lysosomal trafficking regulator; minus strand). Cytogenetic location: 1q42.3.
Variant type: single nucleotide variant.
Coding change: c.8898T>C on transcript NM_000081.4 (MANE Select); coding-DNA position 8898, T replaced by C.
Protein change: p.Tyr2966=; no amino-acid change (tyrosine 2966 retained).
Molecular consequence: synonymous variant.
Genome position (GRCh38, 1-based): chr1:235,731,081, A>G on the plus strand (T>C on the coding strand, the complement: LYST is on the minus strand). VCF-style: chr1-235731081-A-G. GRCh37 (hg19) VCF-style: chr1-235894381-A-G.
Other names: p.Tyr2966=; c.8898T>C, p.Tyr2966= (NM_001301365.1).
Identifiers: ClinVar variation 525186 (VCV000525186.21), dbSNP rs144475533, ClinGen allele CA1465732.
Genomic context (GRCh38, chr1:235,731,081, plus strand): 5'-GCCACTATTACCTTCTGATTTCTGTCTATCCCTAAGGAGATACTTATTTGGAATAGTTAA[A>G]TAACATCTCTGTAAACGTCTCCTCTCTCGATTTGGCCCTTCTGTTGGATCCAACTGCCAT-3'
Protein context (NP_000072.2, residues 2956-2976): NRERRRLQRC[Tyr2966=]LTIPNKYLLR

ClinVar aggregate classification (germline): Benign/Likely benign. Review status: criteria provided, multiple submitters, no conflicts (2 of 4 stars). 5 submissions from 5 submitters: Benign (3); Likely benign (2). Last evaluated 2026-02-04.

Conditions:
Autoinflammatory syndrome. Identifiers: Orphanet 93665, MedGen C3890737, MONDO:0019751.
Chédiak-Higashi syndrome (CHS). Also called: Chediak-Higashi Syndrome. Identifiers: Orphanet 167, MedGen C0007965, MONDO:0008963, OMIM 214500.

Allele frequency attached by ClinVar (database versions not stated): gnomAD exomes 0.00052 and 0.00126; ExAC 0.00162; gnomAD 0.00528 and 0.00560; ESP Exome Variant Server 0.00569; TOPMed 0.00587; 1000 Genomes Project 30x 0.00656; 1000 Genomes Project 0.00659.
gnomAD v4.1: 1,595 of 1,613,860 alleles (0.099%); highest among the groups gnomAD compares: African/African-American, 1.9%; 12 homozygotes.

Submissions (5):

Labcorp Genetics (formerly Invitae), Labcorp
Classification: Benign for Chédiak-Higashi syndrome. Last evaluated: 2026-02-04. Review status: criteria provided, single submitter. Criteria: Invitae Variant Classification Sherloc (09022015). Collection method: clinical testing. Allele origin: germline.

Mayo Clinic Laboratories, Mayo Clinic
Classification: Benign. Last evaluated: 2024-12-30. Review status: criteria provided, single submitter. Criteria: ACMG Guidelines, 2015. Collection method: clinical testing. Allele origin: germline. Observed: 8 variant alleles.
Comment: BS1, BS2, BP4, BP7

Blueprint Genetics
Classification: Likely benign. Last evaluated: 2024-11-13. Review status: criteria provided, single submitter. Criteria: ACMG Guidelines, 2015. Collection method: clinical testing. Allele origin: germline.

Genome Diagnostics Laboratory, The Hospital for Sick Children
Classification: Likely benign for Autoinflammatory syndrome. Last evaluated: 2021-03-25. Review status: criteria provided, single submitter. Criteria: ACMG Guidelines, 2015. Collection method: clinical testing. Allele origin: germline. Affected: yes.

Illumina Laboratory Services, Illumina
Classification: Benign for Chédiak-Higashi syndrome. Last evaluated: 2018-01-12. Review status: criteria provided, single submitter. Criteria: ICSL Variant Classification Criteria 13 December 2019. Collection method: clinical testing. Allele origin: germline.
Comment: This variant was observed in the ICSL laboratory as part of a predisposition screen in an ostensibly healthy population. It had not been previously curated by ICSL or reported in the Human Gene Mutation Database (HGMD: prior to June 1st, 2018), and was therefore a candidate for classification through an automated scoring system. Utilizing variant allele frequency, disease prevalence and penetrance estimates, and inheritance mode, an automated score was calculated to assess if this variant is too frequent to cause the disease. Based on the score and internal cut-off values, a variant classified as benign is not then subjected to further curation. The score for this variant resulted in a classification of benign for this disease.